The following is an entry in ClinVar:

NM_001673.5(ASNS):c.601del (p.Met201fs)

Genes: ASNS (asparagine synthetase (glutamine-hydrolyzing); minus strand), CZ1P-ASNS (CZ1P-ASNS readthrough; minus strand). Cytogenetic location: 7q21.3.
Variant type: Deletion.
Coding change: c.601del on transcript NM_001673.5 (MANE Select); coding-DNA position 601, one base deleted (A; older notation c.601delA).
Protein change: p.Met201fs; shifts the reading frame from methionine 201.
Molecular consequence: frameshift variant. On other transcripts: non-coding transcript variant (1).
Genome position (GRCh38, 1-based): chr7:97,859,285, T deleted on the plus strand (A on the coding strand, the reverse complement: ASNS is on the minus strand); the first of 3 consecutive T bases (chr7:97,859,285-97,859,287); deleting any one gives the same sequence. VCF-style (leftmost placement, unchanged base first): chr7-97859284-AT-A. GRCh37 (hg19) VCF-style: chr7-97488596-AT-A.
Other names: c.601delA (NM_133436.3); c.538del, p.Met180fs (NM_001178075.2); c.352del, p.Met118fs (NM_001178076.2, NM_001178077.1); c.601del, p.Met201fs (NM_001352496.2, NM_133436.3, NM_183356.4); short protein forms M180fs, M201fs, M118fs.
Identifiers: ClinVar variation 545474 (VCV000545474.4), dbSNP rs1481539409, ClinGen allele CA658821849.

ClinVar aggregate classification (germline): Pathogenic. Review status: criteria provided, single submitter (1 of 4 stars). 2 submissions from 2 submitters: Pathogenic (1). 1 of the submissions does not count toward it. Last evaluated 2024-05-14.

Conditions:
Congenital microcephaly - severe encephalopathy - progressive cerebral atrophy syndrome. Also called: ASNS DEFICIENCY; Asparagine synthetase deficiency. Identifiers: Orphanet 391376, MedGen C3809971, MONDO:0014258, OMIM 615574.

Submissions (2):

Myriad Genetics, Inc.
Classification: Pathogenic for Congenital microcephaly - severe encephalopathy - progressive cerebral atrophy syndrome. Last evaluated: 2024-05-14. Review status: criteria provided, single submitter. Criteria: Myriad Autosomal Dominant, Autosomal Recessive and X-Linked Classification Criteria (2023). Collection method: clinical testing. Allele origin: unknown.
Comment: NM_001673.4(ASNS):c.601delA(M201Wfs*28) is expected to be pathogenic in the context of asparagine synthetase deficiency. This variant is predicted to lead to an abnormal or absent protein product due to the creation of a premature termination codon in ASNS, a gene where loss-of-function variants are known to be pathogenic. Please note: this variant was assessed in the context of healthy population screening.

Pfaffle Lab, University Hospital for Children and Adolescents, University of Leipzig
Classification: Pathogenic for Congenital microcephaly - severe encephalopathy - progressive cerebral atrophy syndrome. Last evaluated: 2018-03-31. Review status: no assertion criteria provided. Collection method: clinical testing. Allele origin: germline. Inheritance: Autosomal recessive inheritance. Affected: yes. Observed: 2 variant alleles, 2 compound heterozygotes. Clinical features observed: Microcephaly (HP:0000252). Not counted in ClinVar's aggregate classification.
Comment: The c.601delA variant was observed in a compound heterozygote mode of inheritance together with the variant c.1165G>C in ASNS in 1 German family with microcephaly. The variants segregated in the family and were absent from large population studies and controls.